The following is an entry in ClinVar:

NM_006734.4(HIVEP2):c.2731C>T (p.Pro911Ser)

Gene: HIVEP2 (HIVEP zinc finger 2; minus strand). Cytogenetic location: 6q24.2.
Variant type: single nucleotide variant.
Coding change: c.2731C>T on transcript NM_006734.4 (MANE Select); coding-DNA position 2731, C replaced by T.
Protein change: p.Pro911Ser; replaces proline 911 with serine.
Molecular consequence: missense variant.
Genome position (GRCh38, 1-based): chr6:142,772,008, G>A on the plus strand (C>T on the coding strand, the complement: HIVEP2 is on the minus strand). VCF-style: chr6-142772008-G-A. GRCh37 (hg19) VCF-style: chr6-143093145-G-A.
Other names: short protein forms P911S.
Identifiers: ClinVar variation 2780991 (VCV002780991.3), dbSNP rs761088417, ClinGen allele CA4028371.
Genomic context (GRCh38, chr6:142,772,008, plus strand): 5'-GGAGCTGGGAAAGGGTCTCACTTCTCTGGGGCCACTGAAATTCTTCCACAGGCTTCTCTG[G>A]CTCTTTGCTCTGGGCTTCCTTCTCCTTCTCAGGTTTATCAGGCTCCTCGGTCACTCGAAT-3'
Protein context (NP_006725.3, residues 901-921): EKEKEAQSKE[Pro911Ser]EKPVEEFQWP

ClinVar aggregate classification (germline): Uncertain significance (1 of 4 stars; one submission).

Allele frequency attached by ClinVar (database versions not stated): TOPMed below 0.00001; ExAC 0.00001; gnomAD exomes 0.00001.
gnomAD v4.1: 19 of 1,614,178 alleles (0.0012%); highest among the groups gnomAD compares: Non-Finnish European, 0.0016%; no homozygotes.

Submission:

Labcorp Genetics (formerly Invitae), Labcorp
Classification: Uncertain significance. Last evaluated: 2023-04-04. Review status: criteria provided, single submitter. Criteria: Invitae Variant Classification Sherloc (09022015). Collection method: clinical testing. Allele origin: germline.
Comment: This sequence change replaces proline, which is neutral and non-polar, with serine, which is neutral and polar, at codon 911 of the HIVEP2 protein (p.Pro911Ser). This variant is present in population databases (rs761088417, gnomAD 0.003%). This variant has not been reported in the literature in individuals affected with HIVEP2-related conditions. Advanced modeling of protein sequence and biophysical properties (such as structural, functional, and spatial information, amino acid conservation, physicochemical variation, residue mobility, and thermodynamic stability) has been performed at Invitae for this missense variant, however the output from this modeling did not meet the statistical confidence thresholds required to predict the impact of this variant on HIVEP2 protein function. In summary, the available evidence is currently insufficient to determine the role of this variant in disease. Therefore, it has been classified as a Variant of Uncertain Significance.